The following is an entry in ClinVar:

ClinVar aggregate classification (germline): Uncertain significance (0 of 4 stars; one submission).

Conditions:
PLCG1-related disorder. Also called: PLCG1-related condition.

Submission:

PreventionGenetics, part of Exact Sciences
Classification: Uncertain significance for PLCG1-related condition. Last evaluated: 2024-04-04. Review status: no assertion criteria provided. Collection method: clinical testing. Allele origin: germline.
Comment: The PLCG1 c.3268_3270dupATC variant is predicted to result in an in-frame duplication (p.Ile1090dup). To our knowledge, this variant has not been reported in the literature or in a large population database, indicating this variant is rare. At this time, the clinical significance of this variant is uncertain due to the absence of conclusive functional and genetic evidence.

NM_002660.3(PLCG1):c.3268_3270dup (p.Ile1090_Ser1091insIle)

Gene: PLCG1 (phospholipase C gamma 1; plus strand). Cytogenetic location: 20q12.
Variant type: Duplication.
Coding change: c.3268_3270dup on transcript NM_002660.3 (MANE Select); coding-DNA positions 3268 to 3270, 3 bases duplicated (ATC; older notation c.3268_3270dupATC).
Protein change: p.Ile1090_Ser1091insIle.
Molecular consequence: inframe insertion.
Genome position (GRCh38, 1-based): chr20:41,172,866-41,172,868, ATC duplicated; duplicating any 3 consecutive bases within chr20:41,172,865-41,172,868 gives the same sequence; the c. name uses the placement nearest the transcript's 3' end. VCF-style (leftmost placement, unchanged base first): chr20-41172864-C-CCAT. GRCh37 (hg19) VCF-style: chr20-39801504-C-CCAT.
Other names: c.3268_3270dup, p.Ile1090_Ser1091insIle (NM_182811.2).
Identifiers: ClinVar variation 3346535 (VCV003346535.1).